The following is an entry in ClinVar:

NM_000492.4(CFTR):c.413_415dup (p.Leu138dup)

Gene: CFTR (CF transmembrane conductance regulator; plus strand). Cytogenetic location: 7q31.2.
Variant type: Duplication.
Coding change: c.413_415dup on transcript NM_000492.4 (MANE Select); coding-DNA positions 413 to 415, 3 bases duplicated (TAC; older notation c.413_415dupTAC).
Protein change: p.Leu138dup; duplicates leucine 138.
Molecular consequence: inframe insertion.
Genome position (GRCh38, 1-based): chr7:117,531,038-117,531,040, TAC duplicated; duplicating any 3 consecutive bases within chr7:117,531,037-117,531,040 gives the same sequence; the c. name uses the placement nearest the transcript's 3' end. VCF-style (leftmost placement, unchanged base first): chr7-117531036-C-CCTA. GRCh37 (hg19) VCF-style: chr7-117171090-C-CCTA.
Other names: 546insCTA oder L138ins; c.413_415dupTAC (NM_000492.3, NM_000492.4).
Identifiers: ClinVar variation 53905 (VCV000053905.26), dbSNP rs397508686, ClinGen allele CA327427.

ClinVar aggregate classification (germline): Pathogenic. Review status: reviewed by expert panel (3 of 4 stars). 12 submissions from 12 submitters: Pathogenic (1). 11 of the submissions do not count toward it. Last evaluated 2018-08-31.

Conditions:
CFTR-related disorder (CFTR-RD). Also called: CFTR-related condition; CFTR-related disorders. Identifiers: MedGen C5924204, MONDO:7770004.
Cystic fibrosis (CF). Also called: MUCOVISCIDOSIS. Identifiers: Orphanet 586, MedGen C0010674, MONDO:0009061, OMIM 219700. Disease mechanism: loss of function.
Bronchiectasis with or without elevated sweat chloride 1 (BESC1). Also called: Cystic Fibrosis-Like Syndrome. Identifiers: Orphanet 60033, MedGen C2749757, MONDO:0008887, OMIM 211400.

Submissions (12):

CFTR2
Classification: Pathogenic for Cystic fibrosis. Last evaluated: 2018-08-31. Review status: reviewed by expert panel. Criteria: Sosnay PR et al. (Nat Genet 2013). Collection method: research. Allele origin: germline. Affected: yes.

Labcorp Genetics (formerly Invitae), Labcorp
Classification: Pathogenic for Cystic fibrosis. Last evaluated: 2025-11-27. Review status: criteria provided, single submitter. Criteria: Invitae Variant Classification Sherloc (09022015). Collection method: clinical testing. Allele origin: germline. Not counted in ClinVar's aggregate classification.
Comment: This variant, c.413_415dup, results in the insertion of 1 amino acid(s) of the CFTR protein (p.Leu138dup), but otherwise preserves the integrity of the reading frame. This variant is present in population databases (rs752803445, gnomAD 0.004%). This variant has been observed in individual(s) with CFTR-related conditions (PMID: 9272157, 16189704, 28546993, 30548586). In at least one individual the data is consistent with being in trans (on the opposite chromosome) from a pathogenic variant. This variant is also known as 546insCTA and c.411_412insCTA. ClinVar contains an entry for this variant (Variation ID: 53905). Algorithms developed to predict the effect of variants on gene product structure and function are not available or were not evaluated for this variant. Experimental studies have shown that this variant affects CFTR function (PMID: 30046002). For these reasons, this variant has been classified as Pathogenic.

Natera, Inc.
Classification: Pathogenic for CFTR-related disorders. Last evaluated: 2025-07-08. Review status: criteria provided, single submitter. Criteria: Natera Variant Classification Schema (03/2026). Collection method: clinical testing. Allele origin: germline. Not counted in ClinVar's aggregate classification.
Comment: The c.413_415dupTAC variant in CFTR is an in-frame duplication. This variant is rare in the general population with a frequency below the threshold expected for the associated phenotype(s). This variant has been observed in one or more individuals affected with the associated recessive disease, as either homozygous or compound heterozygous with a second variant (PMID: 30548586, 16189704). Given the available evidence, this variant is classified as Pathogenic.

PreventionGenetics, part of Exact Sciences
Classification: Pathogenic for CFTR-related condition. Last evaluated: 2024-12-31. Review status: criteria provided, single submitter. Criteria: ACMG Guidelines, 2015. Collection method: clinical testing. Allele origin: germline. Not counted in ClinVar's aggregate classification.
Comment: The CFTR c.413_415dupTAC variant is predicted to result in an in-frame duplication (p.Leu138dup). This variant is alternatively referred to as 546insCTA, 138insLeu, and c.411_412insCTA using legacy literature. This variant has been reported in a compound heterozygous and homozygous state in multiple individuals with mild cystic fibrosis (CF) or congenital absence of vas deferens (CVAD) from various ethnicities (see for example, Dörk et al. 1997. PubMed ID: 9272157; Table S2, Shen et al. 2022. PubMed ID: 35858753; Ahting et al. 2023. PubMed ID: 37867076). Functional studies suggests that this variant decreases structural stability and adversely impacts protein function (Liu et al. 2017. PubMed ID: 28340353; Han et al. 2018. PubMed ID: 30046002). This variant is reported in 0.0046% of alleles in individuals of European (Finnish) descent in gnomAD. This variant is interpreted as pathogenic by the clinical and functional translation of CFTR group (CFTR2) in ClinVar. This variant is interpreted as pathogenic.

Ambry Genetics
Classification: Pathogenic for Cystic fibrosis. Last evaluated: 2024-04-08. Review status: criteria provided, single submitter. Criteria: Ambry Variant Classification Scheme 2023. Collection method: clinical testing. Allele origin: germline. Not counted in ClinVar's aggregate classification.
Comment: The c.413_415dupTAC pathogenic mutation (also known as p.L138dup), located in coding exon 4 of the CFTR gene, results from an in-frame duplication of TAC at nucleotide positions 413 to 415. This results in the duplication of an extra residue between codons 138 and 139. In an analysis of 40 CFTR mutations in Russian cystic fibrosis (CF) patients, this variant (reported as L138ins) was detected in 1.8% of the chromosomes (Adyan TA et al. Russ J Genet, 2018 Oct;54:1235-1244). This alteration was also described in an individual with CF in conjunction with the c.3717+12191C>T mutation; however, the phase is unclear (Behar DM et al. Mol Genet Genomic Med, 2017 May;5:223-236). Based on internal structural analysis, this pathogenic variant is anticipated to result in a significant decrease in structural stability (Liu F et al. Cell, 2017 Mar;169:85-95.e8). In addition, human CF bronchial epithelial (CFBE) cells stably expressing this mutation (reported as L138ins) had only 1.6% of CFTR function, compared to cells expressing wild-type CFTR protein (Han ST et al. JCI Insight, 2018 Jul;3:). Furthermore, the duplication has an overall frequency of approximately 0.0004% (1/250744) in the Genome Aggregation Database (gnomAD) (Lek M et al. Nature, 2016 08;536:285-91). Based on the supporting evidence, this alteration is interpreted as a disease-causing mutation.

Women's Health and Genetics/Laboratory Corporation of America, LabCorp
Classification: Pathogenic for Cystic fibrosis. Last evaluated: 2024-02-21. Review status: criteria provided, single submitter. Criteria: LabCorp Variant Classification Summary - May 2015. Collection method: clinical testing. Allele origin: germline. Not counted in ClinVar's aggregate classification.
Comment: Variant summary: CFTR c.413_415dupTAC (p.Leu138dup) results in an in-frame duplication that is predicted to duplicate 1 amino acids into the encoded protein. The variant allele was found at a frequency of 4e-06 in 250744 control chromosomes. c.413_415dupTAC has been reported in the literature in multiple individuals affected with Cystic Fibrosis (e.g. Behar_2017, Guo_2018, McGinniss_2005, Petrova_2019, Walkowiak_2001). These data indicate that the variant is very likely to be associated with disease. Experimental evidence evaluating an impact on protein function demonstrated the variant confers residual function 1.6% of wild-type (Han_2018). The following publications have been ascertained in the context of this evaluation (PMID: 9272157, 11589722, 16189704, 28546993, 30046002, 30548586, 30558651).ClinVar contains an entry for this variant (Variation ID: 53905). Based on the evidence outlined above, the variant was classified as pathogenic.

Baylor Genetics
Classification: Pathogenic for Bronchiectasis with or without elevated sweat chloride 1. Last evaluated: 2023-12-28. Review status: criteria provided, single submitter. Criteria: ACMG Guidelines, 2015. Collection method: clinical testing. Allele origin: unknown. Not counted in ClinVar's aggregate classification.

Blueprint Genetics
Classification: Pathogenic for CFTR-related disorders. Last evaluated: 2022-12-09. Review status: criteria provided, single submitter. Criteria: ACMG Guidelines, 2015. Collection method: clinical testing. Allele origin: germline. Affected: yes. Observed: 1 variant allele. Not counted in ClinVar's aggregate classification.

Institute of Human Genetics, University of Leipzig Medical Center
Classification: Likely pathogenic for Cystic fibrosis. Last evaluated: 2022-09-05. Review status: criteria provided, single submitter. Criteria: ACMG Guidelines, 2015. Collection method: curation. Allele origin: unknown. Affected: yes. Observed: 4 variant alleles. Not counted in ClinVar's aggregate classification.
Comment: This variant was identified in 4 unrelated patients with a clinically confirmed diagnosis of cystic fibrosis. The variant was classified in the context of a project re-classifying variants in the German Cystic Fibrosis Registry (Muko.e.V.). Criteria applied: PS3_SUP, PM2_SUP, PM3_STR, PM4_SUP, PP4

Mayo Clinic Laboratories, Mayo Clinic
Classification: Pathogenic. Last evaluated: 2021-02-25. Review status: criteria provided, single submitter. Criteria: ACMG Guidelines, 2015. Collection method: clinical testing. Allele origin: germline. Observed: 1 variant allele. Not counted in ClinVar's aggregate classification.
Comment: PS3, PS4_Moderate, PM2, PM3, PM4, PP5

North West Genomic Laboratory Hub, Manchester University NHS Foundation Trust
Classification: Pathogenic for Cystic fibrosis. Last evaluated: 2019-10-29. Review status: criteria provided, single submitter. Criteria: ACMG Guidelines, 2015. Collection method: clinical testing. Allele origin: germline. Affected: yes. Not counted in ClinVar's aggregate classification.
Comment: Criteria Codes: PM2 PM3_VStr PM4

ClinVar Staff, National Center for Biotechnology Information (NCBI)
No classification provided. Condition: CFTR-related disorders. Review status: no classification provided. Collection method: literature only. Allele origin: germline. Affected: yes. Not counted in ClinVar's aggregate classification.

Literature cited by the submitters: PubMed 9272157 (cited by 3 submitters); PubMed 16189704 (cited by 3 submitters); PubMed 28546993 (cited by 4 submitters); PubMed 30548586 (cited by 4 submitters); PubMed 30046002 (cited by 4 submitters); PubMed 28340353 (cited by Ambry Genetics); PubMed 11589722 (cited by Women's Health and Genetics/Laboratory Corporation of America, LabCorp and Mayo Clinic Laboratories, Mayo Clinic); PubMed 30558651 (cited by Women's Health and Genetics/Laboratory Corporation of America, LabCorp); PubMed 32429104 (cited by Mayo Clinic Laboratories, Mayo Clinic); PubMed 32992607 (cited by Mayo Clinic Laboratories, Mayo Clinic); PubMed 20059485 (cited by ClinVar Staff, National Center for Biotechnology Information (NCBI)).